The following is an entry in ClinVar:

NM_182978.4(GNAL):c.527C>T (p.Thr176Ile)

Gene: GNAL (G protein subunit alpha L; plus strand). Cytogenetic location: 18p11.21.
Variant type: single nucleotide variant.
Coding change: c.527C>T on transcript NM_182978.4 (MANE Select); coding-DNA position 527, C replaced by T.
Protein change: p.Thr176Ile; replaces threonine 176 with isoleucine.
Molecular consequence: missense variant.
Genome position (GRCh38, 1-based): chr18:11,753,848, C>T. VCF-style: chr18-11753848-C-T. GRCh37 (hg19) VCF-style: chr18-11753847-C-T.
Other names: c.296C>T, p.Thr99Ile (NM_001142339.3, NM_001261443.2, NM_001369387.1); short protein forms T99I, T176I.
Identifiers: ClinVar variation 2976480 (VCV002976480.3), dbSNP rs1310051257, ClinGen allele CA401926489.
Genomic context (GRCh38, chr18:11,753,848, plus strand): 5'-AAATGTTTATCCATATTTTTTTTCTTATTCCATTTTAGACAATTGTTTCAGCAATGAGTA[C>T]TATAATACCTCCAGTTCCGCTGGCCAACCCTGAAAACCAATTTCGATCAGACTACATCAA-3'
Protein context (NP_892023.1, residues 166-186): AIVTIVSAMS[Thr176Ile]IIPPVPLANP

ClinVar aggregate classification (germline): Uncertain significance (1 of 4 stars; one submission).

Conditions:
Dystonic disorder. Also called: Dystonia. Identifiers: MedGen C0013421, MONDO:0003441, HP:0001332.

Allele frequency attached by ClinVar (database versions not stated): gnomAD exomes below 0.00001.
gnomAD v4.1: 2 of 1,608,556 alleles (0.00012%); highest among the groups gnomAD compares: Admixed American, 0.0017%; no homozygotes.

Submission:

Labcorp Genetics (formerly Invitae), Labcorp
Classification: Uncertain significance for Dystonic disorder. Last evaluated: 2025-01-06. Review status: criteria provided, single submitter. Criteria: Invitae Variant Classification Sherloc (09022015). Collection method: clinical testing. Allele origin: germline.
Comment: This sequence change replaces threonine, which is neutral and polar, with isoleucine, which is neutral and non-polar, at codon 99 of the GNAL protein (p.Thr99Ile). This variant is present in population databases (no rsID available, gnomAD 0.003%). This variant has not been reported in the literature in individuals affected with GNAL-related conditions. ClinVar contains an entry for this variant (Variation ID: 2976480). Invitae Evidence Modeling of protein sequence and biophysical properties (such as structural, functional, and spatial information, amino acid conservation, physicochemical variation, residue mobility, and thermodynamic stability) indicates that this missense variant is not expected to disrupt GNAL protein function with a negative predictive value of 80%. In summary, the available evidence is currently insufficient to determine the role of this variant in disease. Therefore, it has been classified as a Variant of Uncertain Significance.